The following is an entry in ClinVar:

ClinVar aggregate classification (germline): Uncertain significance (1 of 4 stars; one submission).

Allele frequency attached by ClinVar (database versions not stated): gnomAD exomes below 0.00001; TOPMed below 0.00001; ExAC 0.00001.
gnomAD v4.1: 4 of 1,613,406 alleles (0.00025%); highest among the groups gnomAD compares: Non-Finnish European, 0.00034%; no homozygotes.

Submission:

Labcorp Genetics (formerly Invitae), Labcorp
Classification: Uncertain significance. Last evaluated: 2024-03-11. Review status: criteria provided, single submitter. Criteria: Invitae Variant Classification Sherloc (09022015). Collection method: clinical testing. Allele origin: germline.
Comment: This sequence change replaces alanine, which is neutral and non-polar, with proline, which is neutral and non-polar, at codon 37 of the NDUFA4 protein (p.Ala37Pro). This variant is present in population databases (rs776801102, gnomAD 0.0009%). This variant has not been reported in the literature in individuals affected with NDUFA4-related conditions. An algorithm developed to predict the effect of missense changes on protein structure and function (PolyPhen-2) suggests that this variant is likely to be tolerated. In summary, the available evidence is currently insufficient to determine the role of this variant in disease. Therefore, it has been classified as a Variant of Uncertain Significance.

NM_002489.4(COXFA4):c.109G>C (p.Ala37Pro)

Gene: COXFA4 (cytochrome c oxidase associated subunit FA4; minus strand). Cytogenetic location: 7p21.3.
Variant type: single nucleotide variant.
Coding change: c.109G>C on transcript NM_002489.4 (MANE Select); coding-DNA position 109, G replaced by C.
Protein change: p.Ala37Pro; replaces alanine 37 with proline.
Molecular consequence: missense variant.
Genome position (GRCh38, 1-based): chr7:10,938,830, C>G on the plus strand (G>C on the coding strand, the complement: COXFA4 is on the minus strand). VCF-style: chr7-10938830-C-G. GRCh37 (hg19) VCF-style: chr7-10978457-C-G.
Other names: short protein forms A37P.
Identifiers: ClinVar variation 2972773 (VCV002972773.3), dbSNP rs776801102, ClinGen allele CA4162607.